The following is an entry in ClinVar:

NM_001349206.2(LPIN1):c.1264+273C>T

Gene: LPIN1 (lipin 1; plus strand). Cytogenetic location: 2p25.1.
Variant type: single nucleotide variant.
Coding change: c.1264+273C>T on transcript NM_001349206.2 (MANE Select); 273 bases into the intron after coding-DNA position 1264, C replaced by T.
Molecular consequence: intron variant.
Genome position (GRCh38, 1-based): chr2:11,782,780, C>T. VCF-style: chr2-11782780-C-T. GRCh37 (hg19) VCF-style: chr2-11922906-C-T.
Other names: c.1411+273C>T (NM_001261428.3); c.1303+273C>T (NM_001349208.2); c.1354+273C>T (NM_001349207.2); c.1174+273C>T (NM_001261427.3); c.1264+273C>T (NM_001349204.2, NM_001349205.2); c.1261+273C>T (NM_001349202.2, NM_001349203.2); c.1156+273C>T (NM_001349200.2, NM_001349199.2, NM_001349201.2 and 1 more transcripts).
Identifiers: ClinVar variation 669650 (VCV000669650.1), dbSNP rs56124251, ClinGen allele CA11057740.
Genomic context (GRCh38, chr2:11,782,780, plus strand): 5'-GCAAACTTCATTTTACACACTGAGGCTGCTCGCTGAGACCTGGGAGAGTTAAGTCCTTTC[C>T]AGCACACCATGGGACCCATAAGTGTGACTTTTATAAAGCTGATTATTAGGTTAATCCTGG-3'

ClinVar aggregate classification (germline): Benign (1 of 4 stars; one submission).

Allele frequency attached by ClinVar (database versions not stated): 1000 Genomes Project 0.13858; 1000 Genomes Project 30x 0.14022; TOPMed 0.17938; gnomAD 0.19190 and 0.19262.
gnomAD v4.1: 29,242 of 152,156 alleles (19%); highest among the groups gnomAD compares: Non-Finnish European, 25%; 3,201 homozygotes.

Submission:

GeneDx
Classification: Benign. Last evaluated: 2018-06-14. Review status: criteria provided, single submitter. Criteria: GeneDx Variant Classification (06012015). Collection method: clinical testing. Allele origin: germline. Affected: yes.
Comment: This variant is considered likely benign or benign based on one or more of the following criteria: it is a conservative change, it occurs at a poorly conserved position in the protein, it is predicted to be benign by multiple in silico algorithms, and/or has population frequency not consistent with disease.